The following is an entry in ClinVar:

ClinVar aggregate classification (germline): Pathogenic/Likely pathogenic. Review status: criteria provided, multiple submitters, no conflicts (2 of 4 stars). 3 submissions from 3 submitters: Pathogenic (2); Likely pathogenic (1). Last evaluated 2023-10-27.

Conditions:
Primary hyperoxaluria, type I (HP1). Also called: GLYCOLIC ACIDURIA; HEPATIC AGT DEFICIENCY; OXALOSIS I; Primary hyperoxaluria type 1. Identifiers: Orphanet 416, Orphanet 93598, MedGen C0268164, MONDO:0009823, OMIM 259900. Disease mechanism: loss of function.

Submissions (3):

Clinical Biochemistry Laboratory, Health Services Laboratory
Classification: Pathogenic for Primary hyperoxaluria, type I. Last evaluated: 2023-10-27. Review status: criteria provided, single submitter. Criteria: ACMG Guidelines, 2015. Collection method: curation. Allele origin: germline. Affected: yes.
Comment: ACMG:PVS1 PM2 PP5

Revvity Omics, Revvity
Classification: Pathogenic for Primary hyperoxaluria, type I. Last evaluated: 2021-11-12. Review status: criteria provided, single submitter. Criteria: ACMG Guidelines, 2015. Collection method: clinical testing. Allele origin: germline.

Myriad Genetics, Inc.
Classification: Likely pathogenic for Primary hyperoxaluria, type I. Last evaluated: 2019-12-28. Review status: criteria provided, single submitter. Criteria: Myriad Women's Health Autosomal Recessive and X-Linked Classification Criteria (2019). Collection method: clinical testing. Allele origin: unknown.
Comment: NM_000030.2(AGXT):c.198C>A(Y66*) is expected to be pathogenic in the context of primary hyperoxaluria type 1. This variant is predicted to lead to an abnormal or absent protein product due to the creation of a premature termination codon in AGXT, a gene where loss-of-function variants are known to be pathogenic. Please note: this variant was assessed in the context of healthy population screening.

Literature cited by the submitters: PubMed 34082749 (cited by Clinical Biochemistry Laboratory, Health Services Laboratory).

NM_000030.3(AGXT):c.198C>A (p.Tyr66Ter)

Gene: AGXT (alanine--glyoxylate aminotransferase; plus strand). Cytogenetic location: 2q37.3.
Variant type: single nucleotide variant.
Coding change: c.198C>A on transcript NM_000030.3 (MANE Select); coding-DNA position 198, C replaced by A.
Protein change: p.Tyr66Ter; replaces tyrosine 66 with a stop codon.
Molecular consequence: nonsense.
Genome position (GRCh38, 1-based): chr2:240,869,202, C>A. VCF-style: chr2-240869202-C-A. GRCh37 (hg19) VCF-style: chr2-241808619-C-A.
Other names: c.198C>A (NM_000030.2); short protein forms Y66*.
Identifiers: ClinVar variation 983726 (VCV000983726.8), dbSNP rs121908521, ClinGen allele CA351313417.